The following is an entry in ClinVar:

ClinVar aggregate classification (germline): Uncertain significance (1 of 4 stars; one submission).

gnomAD v4.1: 6 of 1,614,196 alleles (0.00037%); highest among the groups gnomAD compares: Non-Finnish European, 0.00051%; no homozygotes.

Submission:

Labcorp Genetics (formerly Invitae), Labcorp
Classification: Uncertain significance. Last evaluated: 2021-11-23. Review status: criteria provided, single submitter. Criteria: Invitae Variant Classification Sherloc (09022015). Collection method: clinical testing. Allele origin: germline.
Comment: This sequence change replaces threonine, which is neutral and polar, with arginine, which is basic and polar, at codon 356 of the PISD protein (p.Thr356Arg). This variant is present in population databases (no rsID available, gnomAD 0.0009%). This variant has not been reported in the literature in individuals affected with PISD-related conditions. Algorithms developed to predict the effect of missense changes on protein structure and function are either unavailable or do not agree on the potential impact of this missense change (SIFT: "Not Available"; PolyPhen-2: "Benign"; Align-GVGD: "Not Available"). In summary, the available evidence is currently insufficient to determine the role of this variant in disease. Therefore, it has been classified as a Variant of Uncertain Significance.

NM_001326411.2(PISD):c.1067C>G (p.Thr356Arg)

Gene: PISD (phosphatidylserine decarboxylase; minus strand). Cytogenetic location: 22q12.2.
Variant type: single nucleotide variant.
Coding change: c.1067C>G on transcript NM_001326411.2 (MANE Select); coding-DNA position 1067, C replaced by G.
Protein change: p.Thr356Arg; replaces threonine 356 with arginine.
Molecular consequence: missense variant. On other transcripts: 3 prime UTR variant (1).
Genome position (GRCh38, 1-based): chr22:31,619,775, G>C on the plus strand (C>G on the coding strand, the complement: PISD is on the minus strand). VCF-style: chr22-31619775-G-C. GRCh37 (hg19) VCF-style: chr22-32015761-G-C.
Other names: c.1004C>G, p.Thr335Arg (NM_001326412.1, NM_001326413.2, NM_001326414.2); c.965C>G, p.Thr322Arg (NM_001326415.2, NM_001326416.2, NM_001326417.2 and 2 more transcripts); c.887C>G, p.Thr296Arg (NM_001326418.2); c.851C>G, p.Thr284Arg (NM_001326419.2); c.773C>G, p.Thr258Arg (NM_001326420.2); c.*15C>G (NM_001326421.1); short protein forms T356R, T258R, T296R, T284R, T322R, T335R.
Identifiers: ClinVar variation 1461898 (VCV001461898.6), dbSNP rs769287992, ClinGen allele CA411284838.